The following is an entry in ClinVar:

ClinVar aggregate classification (germline): Uncertain significance (1 of 4 stars; one submission).

gnomAD v4.1: 1 of 1,563,970 alleles (0.000064%); highest among the groups gnomAD compares: Non-Finnish European, 0.000086%; no homozygotes.

Submission:

GeneDx
Classification: Uncertain significance. Last evaluated: 2025-07-15. Review status: criteria provided, single submitter. Criteria: GeneDx Variant Classification Process June 2021. Collection method: clinical testing. Allele origin: germline. Affected: yes.
Comment: Not observed at significant frequency in large population cohorts (gnomAD); Nonsense variant predicted to result in protein truncation as the last 93 amino acid(s) are lost; Has not been previously published as pathogenic or benign to our knowledge

NM_138383.3(MTSS2):c.1965C>A (p.Tyr655Ter)

Gene: MTSS2 (MTSS I-BAR domain containing 2; minus strand). Cytogenetic location: 16q22.1.
Variant type: single nucleotide variant.
Coding change: c.1965C>A on transcript NM_138383.3 (MANE Select); coding-DNA position 1965, C replaced by A.
Protein change: p.Tyr655Ter; replaces tyrosine 655 with a stop codon.
Molecular consequence: nonsense.
Genome position (GRCh38, 1-based): chr16:70,663,956, G>T on the plus strand (C>A on the coding strand, the complement: MTSS2 is on the minus strand). VCF-style: chr16-70663956-G-T. GRCh37 (hg19) VCF-style: chr16-70697859-G-T.
Other names: short protein forms Y655*.
Identifiers: ClinVar variation 4686450 (VCV004686450.1).